The following is an entry in ClinVar:

ClinVar aggregate classification (germline): Uncertain significance. Review status: criteria provided, multiple submitters, no conflicts (2 of 4 stars). 2 submissions from 2 submitters: Uncertain significance (2). Last evaluated 2025-10-01.

Conditions:
Developmental and epileptic encephalopathy, 18 (DEE18). Also called: Early infantile epileptic encephalopathy 18. Identifiers: Orphanet 369894, MedGen C3809624, MONDO:0014201, OMIM 615476.

Allele frequency attached by ClinVar (database versions not stated): gnomAD exomes 0.00002 and 0.00003; ExAC 0.00003; gnomAD 0.00003; TOPMed 0.00003; ESP Exome Variant Server 0.00015.
gnomAD v4.1: 29 of 1,614,022 alleles (0.0018%); highest among the groups gnomAD compares: Non-Finnish European, 0.0024%; no homozygotes.

Submissions (2):

Labcorp Genetics (formerly Invitae), Labcorp
Classification: Uncertain significance. Last evaluated: 2025-10-01. Review status: criteria provided, single submitter. Criteria: Invitae Variant Classification Sherloc (09022015). Collection method: clinical testing. Allele origin: germline.
Comment: This sequence change replaces glycine, which is neutral and non-polar, with cysteine, which is neutral and slightly polar, at codon 1295 of the SZT2 protein (p.Gly1295Cys). This variant is present in population databases (rs147607647, gnomAD 0.007%). This variant has not been reported in the literature in individuals affected with SZT2-related conditions. ClinVar contains an entry for this variant (Variation ID: 658189). Invitae Evidence Modeling of protein sequence and biophysical properties (such as structural, functional, and spatial information, amino acid conservation, physicochemical variation, residue mobility, and thermodynamic stability) indicates that this missense variant is not expected to disrupt SZT2 protein function with a negative predictive value of 80%. In summary, the available evidence is currently insufficient to determine the role of this variant in disease. Therefore, it has been classified as a Variant of Uncertain Significance.

Blueprint Genetics
Classification: Uncertain significance. Last evaluated: 2020-10-15. Review status: criteria provided, single submitter. Criteria: ACMG Guidelines, 2015. Collection method: clinical testing. Allele origin: germline.

NM_001365999.1(SZT2):c.4054G>T (p.Gly1352Cys)

Gene: SZT2 (SZT2 subunit of KICSTOR complex; plus strand). Cytogenetic location: 1p34.2.
Variant type: single nucleotide variant.
Coding change: c.4054G>T on transcript NM_001365999.1 (MANE Select); coding-DNA position 4054, G replaced by T.
Protein change: p.Gly1352Cys; replaces glycine 1352 with cysteine.
Molecular consequence: missense variant.
Genome position (GRCh38, 1-based): chr1:43,428,374, G>T. VCF-style: chr1-43428374-G-T. GRCh37 (hg19) VCF-style: chr1-43894045-G-T.
Other names: c.3883G>T, p.Gly1295Cys (NM_015284.4); short protein forms G1295C, G1352C.
Identifiers: ClinVar variation 658189 (VCV000658189.10), dbSNP rs147607647, ClinGen allele CA809170.